The following is an entry in ClinVar:

NM_000026.4(ADSL):c.1040C>A (p.Thr347Asn)

Gene: ADSL (adenylosuccinate lyase; plus strand). Cytogenetic location: 22q13.1.
Variant type: single nucleotide variant.
Coding change: c.1040C>A on transcript NM_000026.4 (MANE Select); coding-DNA position 1040, C replaced by A.
Protein change: p.Thr347Asn; replaces threonine 347 with asparagine.
Molecular consequence: missense variant. On other transcripts: non-coding transcript variant (1).
Genome position (GRCh38, 1-based): chr22:40,363,010, C>A. VCF-style: chr22-40363010-C-A. GRCh37 (hg19) VCF-style: chr22-40759014-C-A.
Other names: c.1040C>A, p.Thr347Asn (NM_001123378.3, NM_001363840.3, NM_001410812.1 and 1 more transcripts); c.848C>A, p.Thr283Asn (NM_001317923.2); c.995C>A, p.Thr332Asn (NM_001410814.1); short protein forms T283N, T332N, T347N.
Identifiers: ClinVar variation 3346557 (VCV003346557.1).

ClinVar aggregate classification (germline): Uncertain significance (0 of 4 stars; one submission).

Conditions:
ADSL-related disorder. Also called: ADSL-related condition.

Submission:

PreventionGenetics, part of Exact Sciences
Classification: Uncertain significance for ADSL-related condition. Last evaluated: 2024-05-08. Review status: no assertion criteria provided. Collection method: clinical testing. Allele origin: germline.
Comment: The ADSL c.1040C>A variant is predicted to result in the amino acid substitution p.Thr347Asn. To our knowledge, this variant has not been reported in the literature or in a large population database, indicating this variant is rare. At this time, the clinical significance of this variant is uncertain due to the absence of conclusive functional and genetic evidence.